The following is an entry in ClinVar:

NM_006231.4(POLE):c.6161A>G (p.Tyr2054Cys)

Gene: POLE (DNA polymerase epsilon, catalytic subunit; minus strand). Cytogenetic location: 12q24.33.
Variant type: single nucleotide variant.
Coding change: c.6161A>G on transcript NM_006231.4 (MANE Select); coding-DNA position 6161, A replaced by G.
Protein change: p.Tyr2054Cys; replaces tyrosine 2054 with cysteine.
Molecular consequence: missense variant.
Genome position (GRCh38, 1-based): chr12:132,632,484, T>C on the plus strand (A>G on the coding strand, the complement: POLE is on the minus strand). VCF-style: chr12-132632484-T-C. GRCh37 (hg19) VCF-style: chr12-133209070-T-C.
Other names: short protein forms Y2054C.
Identifiers: ClinVar variation 1492154 (VCV001492154.8), dbSNP rs1593708209, ClinGen allele CA387369965.

ClinVar aggregate classification (germline): Uncertain significance (1 of 4 stars; one submission).

Submission:

Labcorp Genetics (formerly Invitae), Labcorp
Classification: Uncertain significance. Last evaluated: 2022-01-06. Review status: criteria provided, single submitter. Criteria: Invitae Variant Classification Sherloc (09022015). Collection method: clinical testing. Allele origin: germline.
Comment: This sequence change replaces tyrosine, which is neutral and polar, with cysteine, which is neutral and slightly polar, at codon 2054 of the POLE protein (p.Tyr2054Cys). In summary, the available evidence is currently insufficient to determine the role of this variant in disease. Therefore, it has been classified as a Variant of Uncertain Significance. Algorithms developed to predict the effect of missense changes on protein structure and function (SIFT, PolyPhen-2, Align-GVGD) all suggest that this variant is likely to be tolerated. This variant has not been reported in the literature in individuals affected with POLE-related conditions. This variant is not present in population databases (gnomAD no frequency).